The following is an entry in ClinVar:

NM_015662.3(IFT172):c.1056C>G (p.His352Gln)

Gene: IFT172 (intraflagellar transport 172; minus strand). Cytogenetic location: 2p23.3.
Variant type: single nucleotide variant.
Coding change: c.1056C>G on transcript NM_015662.3 (MANE Select); coding-DNA position 1056, C replaced by G.
Protein change: p.His352Gln; replaces histidine 352 with glutamine.
Molecular consequence: missense variant.
Genome position (GRCh38, 1-based): chr2:27,478,106, G>C on the plus strand (C>G on the coding strand, the complement: IFT172 is on the minus strand). VCF-style: chr2-27478106-G-C. GRCh37 (hg19) VCF-style: chr2-27700973-G-C.
Other names: short protein forms H352Q.
Identifiers: ClinVar variation 939188 (VCV000939188.10), dbSNP rs145847794, ClinGen allele CA1580778.

ClinVar aggregate classification (germline): Uncertain significance. Review status: criteria provided, multiple submitters, no conflicts (2 of 4 stars). 5 submissions from 5 submitters: Uncertain significance (5). Last evaluated 2026-03-11.

Conditions:
Short-rib thoracic dysplasia 10 with or without polydactyly (SRTD10). Identifiers: Orphanet 474, MedGen C3810175, MONDO:0014284, OMIM 615630.
Bardet-Biedl syndrome 20. Identifiers: MedGen C4310707, MONDO:0023670, OMIM 619471, MONDO:0014926.
Retinitis pigmentosa 71 (RP71). Identifiers: Orphanet 791, MedGen C4225342, MONDO:0014618, OMIM 616394.
IFT172-related disorder. Also called: IFT172-related disorders; IFT172-related condition.

Allele frequency attached by ClinVar (database versions not stated): gnomAD exomes 0.00004; ExAC 0.00005; ESP Exome Variant Server 0.00015; gnomAD 0.00003; TOPMed 0.00003.
gnomAD v4.1: 123 of 1,614,138 alleles (0.0076%); highest among the groups gnomAD compares: Admixed American, 0.01%; no homozygotes.

Submissions (5):

PreventionGenetics, part of Exact Sciences
Classification: Uncertain significance for IFT172-related condition. Last evaluated: 2026-03-11. Review status: criteria provided, single submitter. Criteria: ACMG Guidelines, 2015. Collection method: clinical testing. Allele origin: germline.
Comment: The IFT172 c.1056C>G variant is predicted to result in the amino acid substitution p.His352Gln. This variant was reported in the heterozygous state in an individual from a cohort of patients with inherited retinal and optical nerve disorders; however, no additional evidence was provided to support pathogenicity (Diñeiro et al. 2020. PubMed ID: 32483926. Table S12). This variant is reported in 0.007% of alleles in individuals of European (Non-Finnish) descent in gnomAD. At this time, the clinical significance of this variant is uncertain due to the absence of conclusive functional and genetic evidence.

Labcorp Genetics (formerly Invitae), Labcorp
Classification: Uncertain significance for Retinitis pigmentosa 71; Short-rib thoracic dysplasia 10 with or without polydactyly. Last evaluated: 2025-11-10. Review status: criteria provided, single submitter. Criteria: Invitae Variant Classification Sherloc (09022015). Collection method: clinical testing. Allele origin: germline.
Comment: This sequence change replaces histidine, which is basic and polar, with glutamine, which is neutral and polar, at codon 352 of the IFT172 protein (p.His352Gln). This variant is present in population databases (rs145847794, gnomAD 0.007%). This missense change has been observed in individual(s) with clinical features of IFT172-related conditions (PMID: 32483926). ClinVar contains an entry for this variant (Variation ID: 939188). Invitae Evidence Modeling of protein sequence and biophysical properties (such as structural, functional, and spatial information, amino acid conservation, physicochemical variation, residue mobility, and thermodynamic stability) indicates that this missense variant is not expected to disrupt IFT172 protein function with a negative predictive value of 95%. In summary, the available evidence is currently insufficient to determine the role of this variant in disease. Therefore, it has been classified as a Variant of Uncertain Significance.

GeneDx
Classification: Uncertain significance. Last evaluated: 2024-08-21. Review status: criteria provided, single submitter. Criteria: GeneDx Variant Classification Process June 2021. Collection method: clinical testing. Allele origin: germline. Affected: yes.
Comment: Reported in a patient with blindness in published literature (PMID: 32483926); Not observed at significant frequency in large population cohorts (gnomAD); In silico analysis indicates that this missense variant does not alter protein structure/function; This variant is associated with the following publications: (PMID: 32483926)

Fulgent Genetics
Classification: Uncertain significance for Short-rib thoracic dysplasia 10 with or without polydactyly; Retinitis pigmentosa 71; Bardet-Biedl syndrome 20. Last evaluated: 2024-03-25. Review status: criteria provided, single submitter. Criteria: ACMG Guidelines, 2015. Collection method: clinical testing. Allele origin: germline.

Blueprint Genetics
Classification: Uncertain significance. Last evaluated: 2021-05-06. Review status: criteria provided, single submitter. Criteria: ACMG Guidelines, 2015. Collection method: clinical testing. Allele origin: germline.

Literature cited by the submitters: PubMed 32483926 (cited by Labcorp Genetics (formerly Invitae), Labcorp).